The following is an entry in ClinVar:

NM_001466.4(FZD2):c.682_683delinsTT (p.Ala228Leu)

Gene: FZD2 (frizzled class receptor 2; plus strand). Cytogenetic location: 17q21.31.
Variant type: Indel.
Coding change: c.682_683delinsTT on transcript NM_001466.4 (MANE Select); coding-DNA positions 682 to 683, GC replaced by TT.
Protein change: p.Ala228Leu; replaces alanine 228 with leucine.
Molecular consequence: missense variant.
Genome position (GRCh38, 1-based): chr17:44,558,370-44,558,371, GC replaced by TT. VCF-style: chr17-44558370-GC-TT. GRCh37 (hg19) VCF-style: chr17-42635738-GC-TT.
Other names: short protein forms A228L.
Identifiers: ClinVar variation 3647711 (VCV003647711.2).
Genomic context (GRCh38, chr17:44,558,370, plus strand): 5'-CCATCCTATCTCAGCTACAAGTTTCTGGGCGAGCGTGATTGTGCTGCGCCCTGCGAACCT[GC>TT]GCGGCCCGATGGTTCCATGTTCTTCTCACAGGAGGAGACGCGTTTCGCGCGCCTCTGGAT-3'
Protein context (NP_001457.1, residues 218-238): ERDCAAPCEP[Ala228Leu]RPDGSMFFSQ

ClinVar aggregate classification (germline): Uncertain significance (1 of 4 stars; one submission).

Submission:

Labcorp Genetics (formerly Invitae), Labcorp
Classification: Uncertain significance. Last evaluated: 2025-10-13. Review status: criteria provided, single submitter. Criteria: Invitae Variant Classification Sherloc (09022015). Collection method: clinical testing. Allele origin: germline.
Comment: This sequence change replaces alanine, which is neutral and non-polar, with leucine, which is neutral and non-polar, at codon 228 of the FZD2 protein (p.Ala228Leu). Information on the frequency of this variant in the gnomAD database is not available, as this variant may be reported differently in the database. This variant has not been reported in the literature in individuals affected with FZD2-related conditions. ClinVar contains an entry for this variant (Variation ID: 3647711). An algorithm developed to predict the effect of missense changes on protein structure and function (PolyPhen-2) suggests that this variant is likely to be tolerated. In summary, the available evidence is currently insufficient to determine the role of this variant in disease. Therefore, it has been classified as a Variant of Uncertain Significance.